The following is an entry in ClinVar:

NM_001197104.2(KMT2A):c.8987A>G (p.His2996Arg)

Gene: KMT2A (lysine methyltransferase 2A; plus strand). Cytogenetic location: 11q23.3.
Variant type: single nucleotide variant.
Coding change: c.8987A>G on transcript NM_001197104.2 (MANE Select); coding-DNA position 8987, A replaced by G.
Protein change: p.His2996Arg; replaces histidine 2996 with arginine.
Molecular consequence: missense variant.
Genome position (GRCh38, 1-based): chr11:118,504,879, A>G. VCF-style: chr11-118504879-A-G. GRCh37 (hg19) VCF-style: chr11-118375594-A-G.
Other names: c.9077A>G, p.His3026Arg (NM_001412597.1); c.8978A>G, p.His2993Arg (NM_005933.4); short protein forms H2996R, H2993R, H3026R.
Identifiers: ClinVar variation 1970527 (VCV001970527.5), dbSNP rs191446381, ClinGen allele CA6304544.

ClinVar aggregate classification (germline): Uncertain significance (1 of 4 stars; one submission).

Allele frequency attached by ClinVar (database versions not stated): TOPMed below 0.00001; ExAC 0.00002; 1000 Genomes Project 30x 0.00016; gnomAD 0.00001; gnomAD exomes 0.00001; 1000 Genomes Project 0.00020.
gnomAD v4.1: 10 of 1,614,172 alleles (0.00062%); highest among the groups gnomAD compares: Non-Finnish European, 0.00085%; no homozygotes.

Submission:

Labcorp Genetics (formerly Invitae), Labcorp
Classification: Uncertain significance. Last evaluated: 2026-01-06. Review status: criteria provided, single submitter. Criteria: Invitae Variant Classification Sherloc (09022015). Collection method: clinical testing. Allele origin: germline.
Comment: This sequence change replaces histidine, which is basic and polar, with arginine, which is basic and polar, at codon 2996 of the KMT2A protein (p.His2996Arg). This variant is present in population databases (rs191446381, gnomAD 0.002%). This variant has not been reported in the literature in individuals affected with KMT2A-related conditions. ClinVar contains an entry for this variant (Variation ID: 1970527). Invitae Evidence Modeling of protein sequence and biophysical properties (such as structural, functional, and spatial information, amino acid conservation, physicochemical variation, residue mobility, and thermodynamic stability) indicates that this missense variant is not expected to disrupt KMT2A protein function with a negative predictive value of 95%. In summary, the available evidence is currently insufficient to determine the role of this variant in disease. Therefore, it has been classified as a Variant of Uncertain Significance.